The following is an entry in ClinVar:

NM_001040108.2(MLH3):c.2643G>A (p.Lys881=)

Gene: MLH3 (mutL homolog 3; minus strand). Cytogenetic location: 14q24.3.
Variant type: single nucleotide variant.
Coding change: c.2643G>A on transcript NM_001040108.2 (MANE Select); coding-DNA position 2643, G replaced by A.
Protein change: p.Lys881=; no amino-acid change (lysine 881 retained).
Molecular consequence: synonymous variant.
Genome position (GRCh38, 1-based): chr14:75,047,013, C>T on the plus strand (G>A on the coding strand, the complement: MLH3 is on the minus strand). VCF-style: chr14-75047013-C-T. GRCh37 (hg19) VCF-style: chr14-75513716-C-T.
Other names: c.2643G>A, p.Lys881= (NM_014381.3).
Identifiers: ClinVar variation 1580807 (VCV001580807.11), dbSNP rs760753507, ClinGen allele CA7275667.

ClinVar aggregate classification (germline): Benign/Likely benign. Review status: criteria provided, multiple submitters, no conflicts (2 of 4 stars). 3 submissions from 3 submitters: Benign (1); Likely benign (2). Last evaluated 2026-09-18.

Conditions:
Colorectal cancer, hereditary nonpolyposis, type 7. Identifiers: Orphanet 144, MedGen C1858380, MONDO:0013725, OMIM 614385.

Allele frequency attached by ClinVar (database versions not stated): gnomAD exomes below 0.00001; ExAC 0.00001.
gnomAD v4.1: 2 of 1,614,194 alleles (0.00012%); highest among the groups gnomAD compares: Non-Finnish European, 0.00017%; no homozygotes.

Submissions (3):

Myriad Genetics, Inc.
Classification: Benign for Colorectal cancer, hereditary nonpolyposis, type 7. Last evaluated: 2026-09-18. Review status: criteria provided, single submitter. Criteria: Myriad Autosomal Dominant, Autosomal Recessive and X-Linked Classification Criteria (2023). Collection method: clinical testing. Allele origin: unknown.
Comment: This variant is considered benign. This variant is a silent/synonymous amino acid change and it is not expected to impact splicing.

Labcorp Genetics (formerly Invitae), Labcorp
Classification: Likely benign for Colorectal cancer, hereditary nonpolyposis, type 7. Last evaluated: 2023-08-24. Review status: criteria provided, single submitter. Criteria: Invitae Variant Classification Sherloc (09022015). Collection method: clinical testing. Allele origin: germline.

Ambry Genetics
Classification: Likely benign. Last evaluated: 2022-07-19. Review status: criteria provided, single submitter. Criteria: Ambry Variant Classification Scheme 2023. Collection method: clinical testing. Allele origin: germline.